The following is an entry in ClinVar:

ClinVar aggregate classification (germline): Likely benign (1 of 4 stars; one submission).

Conditions:
KNL1-related disorder. Also called: KNL1-related condition.

gnomAD v4.1: 70 of 1,613,600 alleles (0.0043%); highest among the groups gnomAD compares: Admixed American, 0.01%; no homozygotes.

Submission:

PreventionGenetics, part of Exact Sciences
Classification: Likely benign for KNL1-related condition. Last evaluated: 2024-12-06. Review status: criteria provided, single submitter. Criteria: ACMG Guidelines, 2015. Collection method: clinical testing. Allele origin: germline.
Comment: This variant is classified as likely benign based on ACMG/AMP sequence variant interpretation guidelines (Richards et al. 2015 PMID: 25741868, with internal and published modifications).

NM_144508.5(KNL1):c.3501C>T (p.Thr1167=)

Gene: KNL1 (kinetochore scaffold 1; plus strand). Cytogenetic location: 15q15.1.
Variant type: single nucleotide variant.
Coding change: c.3501C>T on transcript NM_144508.5 (MANE Select); coding-DNA position 3501, C replaced by T.
Protein change: p.Thr1167=; no amino-acid change (threonine 1167 retained).
Molecular consequence: synonymous variant.
Genome position (GRCh38, 1-based): chr15:40,623,765, C>T. VCF-style: chr15-40623765-C-T. GRCh37 (hg19) VCF-style: chr15-40915963-C-T.
Other names: c.3579C>T, p.Thr1193= (NM_170589.5).
Identifiers: ClinVar variation 4982736 (VCV004982736.1).